The following is an entry in ClinVar:

ClinVar aggregate classification (germline): Likely pathogenic. Review status: criteria provided, single submitter (1 of 4 stars). 2 submissions from 2 submitters: Likely pathogenic (1). 1 of the submissions does not count toward it. Last evaluated 2025-03-01.

Conditions:
Alkaptonuria (AKU). Also called: Alkaptonuric ochronosis; Homogentisic acidura; Alcaptonuria; HOMOGENTISIC ACID OXIDASE DEFICIENCY. Identifiers: Orphanet 56, MedGen C0002066, MONDO:0008753, OMIM 203500.

Submissions (2):

Department of Medical Genetics and Pathology, Ardabil University of Medical Sciences
Classification: Likely pathogenic for Alkaptonuria. Last evaluated: 2025-03-01. Review status: criteria provided, single submitter. Criteria: ACMG Guidelines, 2015. Collection method: research. Allele origin: germline. Affected: yes. Observed: 7 variant alleles.

Department Of Human Genetics, Institute Of Clinical And Translational Research, Biomedical Research Center, Slovak Academy Of Sciences
Classification: Pathogenic for Alkaptonuria. Review status: no assertion criteria provided. Collection method: research. Allele origin: germline. Inheritance: Autosomal recessive inheritance. Affected: yes. Observed: 1 variant allele. Not counted in ClinVar's aggregate classification.
Comment: The variant was originally described in AKU patient in PMID: 33746036. It has been submitted to the HGD gene mutation database (DB-ID: AKU_00AKU_00242).

Literature cited by the submitters: PubMed 33746036 (cited by Department Of Human Genetics, Institute Of Clinical And Translational Research, Biomedical Research Center, Slovak Academy Of Sciences).

NM_000187.4(HGD):c.334T>G (p.Phe112Val)

Gene: HGD (homogentisate 1,2-dioxygenase; minus strand). Cytogenetic location: 3q13.33.
Variant type: single nucleotide variant.
Coding change: c.334T>G on transcript NM_000187.4 (MANE Select); coding-DNA position 334, T replaced by G.
Protein change: p.Phe112Val; replaces phenylalanine 112 with valine.
Molecular consequence: missense variant.
Genome position (GRCh38, 1-based): chr3:120,652,600, A>C on the plus strand (T>G on the coding strand, the complement: HGD is on the minus strand). VCF-style: chr3-120652600-A-C. GRCh37 (hg19) VCF-style: chr3-120371447-A-C.
Other names: short protein forms F112V.
Identifiers: ClinVar variation 2626832 (VCV002626832.3), dbSNP rs2472724557, ClinGen allele CA354078514.